The following is an entry in ClinVar:

NM_144687.4(NLRP12):c.2072T>C (p.Leu691Pro)

Gene: NLRP12 (NLR family pyrin domain containing 12; minus strand). Cytogenetic location: 19q13.42.
Variant type: single nucleotide variant.
Coding change: c.2072T>C on transcript NM_144687.4 (MANE Select); coding-DNA position 2072, T replaced by C.
Protein change: p.Leu691Pro; replaces leucine 691 with proline.
Molecular consequence: missense variant.
Genome position (GRCh38, 1-based): chr19:53,809,587, A>G on the plus strand (T>C on the coding strand, the complement: NLRP12 is on the minus strand). VCF-style: chr19-53809587-A-G. GRCh37 (hg19) VCF-style: chr19-54312841-A-G.
Other names: c.2072T>C, p.Leu691Pro (NM_001277126.2, NM_001277129.1); short protein forms L691P.
Identifiers: ClinVar variation 567056 (VCV000567056.9), dbSNP rs760012636, ClinGen allele CA9639273.

ClinVar aggregate classification (germline): Uncertain significance. Review status: criteria provided, multiple submitters, no conflicts (2 of 4 stars). 2 submissions from 2 submitters: Uncertain significance (2). Last evaluated 2024-11-03.

Conditions:
Familial cold autoinflammatory syndrome 2 (FCAS2). Identifiers: Orphanet 247868, MedGen C2673198, MONDO:0012724, OMIM 611762.

Allele frequency attached by ClinVar (database versions not stated): gnomAD below 0.00001 and 0.00001; ExAC 0.00010.
gnomAD v4.1: 44 of 1,609,396 alleles (0.0027%); highest among the groups gnomAD compares: South Asian, 0.048%; no homozygotes.

Submissions (2):

Labcorp Genetics (formerly Invitae), Labcorp
Classification: Uncertain significance for Familial cold autoinflammatory syndrome 2. Last evaluated: 2024-11-03. Review status: criteria provided, single submitter. Criteria: Invitae Variant Classification Sherloc (09022015). Collection method: clinical testing. Allele origin: germline.
Comment: This sequence change replaces leucine, which is neutral and non-polar, with proline, which is neutral and non-polar, at codon 691 of the NLRP12 protein (p.Leu691Pro). This variant is present in population databases (rs760012636, gnomAD 0.04%), and has an allele count higher than expected for a pathogenic variant. This variant has not been reported in the literature in individuals affected with NLRP12-related conditions. ClinVar contains an entry for this variant (Variation ID: 567056). An algorithm developed to predict the effect of missense changes on protein structure and function outputs the following: PolyPhen-2: "Benign". The proline amino acid residue is found in multiple mammalian species, which suggests that this missense change does not adversely affect protein function. In summary, the available evidence is currently insufficient to determine the role of this variant in disease. Therefore, it has been classified as a Variant of Uncertain Significance.

Breakthrough Genomics
Classification: Uncertain significance. Review status: criteria provided, single submitter. Criteria: ACMG Guidelines, 2015. Collection method: not provided. Allele origin: germline. Inheritance: Autosomal dominant inheritance. Affected: yes.